The following is an entry in ClinVar:

NM_001005271.3(CHD3):c.176A>G (p.Asp59Gly)

Genes: CHD3 (chromodomain helicase DNA binding protein 3; plus strand), NAA38 (N-alpha-acetyltransferase 38, NatC auxiliary subunit; minus strand). Cytogenetic location: 17p13.1.
Variant type: single nucleotide variant.
Coding change: c.176A>G on transcript NM_001005271.3; coding-DNA position 176, A replaced by G.
Protein change: p.Asp59Gly; replaces aspartic acid 59 with glycine.
Molecular consequence: missense variant. On other transcripts: intron variant (1).
Genome position (GRCh38, 1-based): chr17:7,884,982, A>G. VCF-style: chr17-7884982-A-G. GRCh37 (hg19) VCF-style: chr17-7788300-A-G.
Other names: c.176A>G, p.Asp59Gly (NM_001437504.1, NM_001437507.1, NM_001437508.1 and 1 more transcripts); c.-167+183T>C (NM_001330111.2); short protein forms D59G.
Identifiers: ClinVar variation 2504887 (VCV002504887.1), dbSNP rs1344951328, ClinGen allele CA397933679.

ClinVar aggregate classification (germline): Uncertain significance (1 of 4 stars; one submission).

Allele frequency attached by ClinVar (database versions not stated): gnomAD exomes 0.00001.
gnomAD v4.1: 1 of 1,169,378 alleles (0.000086%); highest among the groups gnomAD compares: Non-Finnish European, 0.00011%; no homozygotes.

Submission:

GeneDx
Classification: Uncertain significance. Last evaluated: 2022-12-07. Review status: criteria provided, single submitter. Criteria: GeneDx Variant Classification Process June 2021. Collection method: clinical testing. Allele origin: germline. Affected: yes.
Comment: Not observed at significant frequency in large population cohorts (gnomAD); In silico analysis supports that this missense variant does not alter protein structure/function; Has not been previously published as pathogenic or benign to our knowledge